The following is an entry in ClinVar:

NM_002661.5(PLCG2):c.3695T>C (p.Val1232Ala)

Gene: PLCG2 (phospholipase C gamma 2; plus strand). Cytogenetic location: 16q23.3.
Variant type: single nucleotide variant.
Coding change: c.3695T>C on transcript NM_002661.5 (MANE Select); coding-DNA position 3695, T replaced by C.
Protein change: p.Val1232Ala; replaces valine 1232 with alanine.
Molecular consequence: missense variant.
Genome position (GRCh38, 1-based): chr16:81,956,819, T>C. VCF-style: chr16-81956819-T-C. GRCh37 (hg19) VCF-style: chr16-81990424-T-C.
Other names: c.3695T>C, p.Val1232Ala (NM_001425749.1, NM_001425750.1, NM_001425751.1); short protein forms V1232A.
Identifiers: ClinVar variation 2997749 (VCV002997749.3), dbSNP rs1643879731, ClinGen allele CA396898428.

ClinVar aggregate classification (germline): Uncertain significance (1 of 4 stars; one submission).

Conditions:
Familial cold autoinflammatory syndrome 3 (FCAS3). Also called: FAMILIAL ATYPICAL COLD URTICARIA; ANTIBODY DEFICIENCY AND IMMUNE DYSREGULATION, PLCG2-ASSOCIATED. Identifiers: Orphanet 300359, MedGen C3280914, MONDO:0013766, OMIM 614468.

Allele frequency attached by ClinVar (database versions not stated): gnomAD exomes below 0.00001.
gnomAD v4.1: 2 of 1,614,070 alleles (0.00012%); highest among the groups gnomAD compares: African/African-American, 0.0013%; no homozygotes.

Submission:

Labcorp Genetics (formerly Invitae), Labcorp
Classification: Uncertain significance for Familial cold autoinflammatory syndrome 3. Last evaluated: 2023-06-23. Review status: criteria provided, single submitter. Criteria: Invitae Variant Classification Sherloc (09022015). Collection method: clinical testing. Allele origin: germline.
Comment: This sequence change replaces valine, which is neutral and non-polar, with alanine, which is neutral and non-polar, at codon 1232 of the PLCG2 protein (p.Val1232Ala). This variant is not present in population databases (gnomAD no frequency). This variant has not been reported in the literature in individuals affected with PLCG2-related conditions. An algorithm developed to predict the effect of missense changes on protein structure and function (PolyPhen-2) suggests that this variant is likely to be tolerated. In summary, the available evidence is currently insufficient to determine the role of this variant in disease. Therefore, it has been classified as a Variant of Uncertain Significance.